The following is an entry in ClinVar:

NM_000465.4(BARD1):c.1315-2A>C

Gene: BARD1 (BRCA1 associated RING domain 1; minus strand). Cytogenetic location: 2q35.
Variant type: single nucleotide variant.
Coding change: c.1315-2A>C on transcript NM_000465.4 (MANE Select); the canonical splice acceptor site of the intron before coding-DNA position 1315, A replaced by C.
Molecular consequence: splice acceptor variant. On other transcripts: intron variant (3).
Genome position (GRCh38, 1-based): chr2:214,769,314, T>G on the plus strand (A>C on the coding strand, the complement: BARD1 is on the minus strand). VCF-style: chr2-214769314-T-G. GRCh37 (hg19) VCF-style: chr2-215634038-T-G.
Other names: c.159-16759A>C (NM_001282548.2); c.1258-2A>C (NM_001282543.2); c.216-16759A>C (NM_001282545.2); c.364+22983A>C (NM_001282549.2).
Identifiers: ClinVar variation 1447954 (VCV001447954.7), dbSNP rs1316885634, ClinGen allele CA350450598.

ClinVar aggregate classification (germline): Uncertain significance (1 of 4 stars; one submission).

Conditions:
Familial cancer of breast. Also called: BREAST CANCER, FAMILIAL; Hereditary breast cancer; hereditary breast carcinoma. Identifiers: Orphanet 227535, MedGen C0346153, MONDO:0016419, OMIM 114480. Disease mechanism: loss of function.

gnomAD v4.1: 1 of 1,611,144 alleles (0.000062%); highest among the groups gnomAD compares: Non-Finnish European, 0.000085%; no homozygotes.

Submission:

Labcorp Genetics (formerly Invitae), Labcorp
Classification: Uncertain significance for Familial cancer of breast. Last evaluated: 2021-06-07. Review status: criteria provided, single submitter. Criteria: Invitae Variant Classification Sherloc (09022015). Collection method: clinical testing. Allele origin: germline.
Comment: This variant is not present in population databases (ExAC no frequency). This sequence change affects an acceptor splice site in intron 4 of the BARD1 gene. RNA analysis indicates that this variant induces altered splicing and likely results in a shortened protein product. In summary, the available evidence is currently insufficient to determine the role of this variant in disease. Therefore, it has been classified as a Variant of Uncertain Significance. Studies have shown that disruption of this splice site is associated with skipping of 5 but is expected to preserve the integrity of the reading frame (PMID: 21344236). This variant has not been reported in the literature in individuals with BARD1-related conditions.

Literature cited by the submitters: PubMed 21344236.